The following is an entry in ClinVar:

NM_017662.5(TRPM6):c.1308G>A (p.Lys436=)

Gene: TRPM6 (transient receptor potential cation channel subfamily M member 6; minus strand). Cytogenetic location: 9q21.13.
Variant type: single nucleotide variant.
Coding change: c.1308G>A on transcript NM_017662.5 (MANE Select); coding-DNA position 1308, G replaced by A.
Protein change: p.Lys436=; no amino-acid change (lysine 436 retained).
Molecular consequence: synonymous variant.
Genome position (GRCh38, 1-based): chr9:74,816,669, C>T on the plus strand (G>A on the coding strand, the complement: TRPM6 is on the minus strand). VCF-style: chr9-74816669-C-T. GRCh37 (hg19) VCF-style: chr9-77431585-C-T.
Other names: c.1293G>A, p.Lys431= (NM_001177310.2, NM_001177311.2).
Identifiers: ClinVar variation 1385571 (VCV001385571.6), dbSNP rs2117943986, ClinGen allele CA465518760.

ClinVar aggregate classification (germline): Uncertain significance (1 of 4 stars; one submission).

Submission:

Labcorp Genetics (formerly Invitae), Labcorp
Classification: Uncertain significance. Last evaluated: 2024-02-17. Review status: criteria provided, single submitter. Criteria: Invitae Variant Classification Sherloc (09022015). Collection method: clinical testing. Allele origin: germline.
Comment: This sequence change affects codon 436 of the TRPM6 mRNA. It is a 'silent' change, meaning that it does not change the encoded amino acid sequence of the TRPM6 protein. This variant also falls at the last nucleotide of exon 11, which is part of the consensus splice site for this exon. This variant is not present in population databases (gnomAD no frequency). This variant has not been reported in the literature in individuals affected with TRPM6-related conditions. ClinVar contains an entry for this variant (Variation ID: 1385571). Variants that disrupt the consensus splice site are a relatively common cause of aberrant splicing (PMID: 17576681, 9536098). Algorithms developed to predict the effect of sequence changes on RNA splicing suggest that this variant may disrupt the consensus splice site. In summary, the available evidence is currently insufficient to determine the role of this variant in disease. Therefore, it has been classified as a Variant of Uncertain Significance.

Literature cited by the submitters: PubMed 17576681; PubMed 9536098.